The following is an entry in ClinVar:

NM_001184.4(ATR):c.800G>A (p.Ser267Asn)

Gene: ATR (ATR checkpoint kinase; minus strand). Cytogenetic location: 3q23.
Variant type: single nucleotide variant.
Coding change: c.800G>A on transcript NM_001184.4 (MANE Select); coding-DNA position 800, G replaced by A.
Protein change: p.Ser267Asn; replaces serine 267 with asparagine.
Molecular consequence: missense variant.
Genome position (GRCh38, 1-based): chr3:142,562,602, C>T on the plus strand (G>A on the coding strand, the complement: ATR is on the minus strand). VCF-style: chr3-142562602-C-T. GRCh37 (hg19) VCF-style: chr3-142281444-C-T.
Other names: c.800G>A, p.Ser267Asn (NM_001354579.2); short protein forms S267N.
Identifiers: ClinVar variation 1761636 (VCV001761636.2), dbSNP rs2473427262, ClinGen allele CA354825471.

ClinVar aggregate classification (germline): Uncertain significance (1 of 4 stars; one submission).

Conditions:
Inborn genetic diseases. Identifiers: MedGen C0950123, MeSH D030342.

Submission:

Ambry Genetics
Classification: Uncertain significance for Inborn genetic diseases. Last evaluated: 2024-03-16. Review status: criteria provided, single submitter. Criteria: Ambry Variant Classification Scheme 2023. Collection method: clinical testing. Allele origin: germline.
Comment: The p.S267N variant (also known as c.800G>A), located in coding exon 4 of the ATR gene, results from a G to A substitution at nucleotide position 800. The serine at codon 267 is replaced by asparagine, an amino acid with highly similar properties. This amino acid position is conserved. In addition, this alteration is predicted to be tolerated by in silico analysis. Since supporting evidence is limited at this time, the clinical significance of this alteration remains unclear.